The following is an entry in ClinVar:

NC_000019.9:g.(?_36338828)_(36339610_?)del

Gene: NPHS1 (NPHS1 adhesion molecule, nephrin; minus strand). Cytogenetic location: 19q13.12.
Variant type: Deletion.
Identifiers: ClinVar variation 2425192 (VCV002425192.4).

ClinVar aggregate classification (germline): Pathogenic (1 of 4 stars; one submission).

Submission:

Labcorp Genetics (formerly Invitae), Labcorp
Classification: Pathogenic. Last evaluated: 2022-02-09. Review status: criteria provided, single submitter. Criteria: Invitae Variant Classification Sherloc (09022015). Collection method: clinical testing. Allele origin: germline.
Comment: For these reasons, this variant has been classified as Pathogenic. This variant disrupts a region of the NPHS1 protein in which other variant(s) (p.Arg460Gln) have been determined to be pathogenic (PMID: 19194555, 21125408, 21415313, 30655312). This suggests that this is a clinically significant region of the protein, and that variants that disrupt it are likely to be disease-causing. This variant has not been reported in the literature in individuals affected with NPHS1-related conditions. This variant results in the deletion of exons 10-11 and part of exon 9 (c.1099_1440+115del) of the NPHS1 gene. It is expected to disrupt RNA splicing. Variants that disrupt the donor or acceptor splice site typically lead to a loss of protein function (PMID: 16199547), and loss-of-function variants in NPHS1 are known to be pathogenic (PMID: 11317351, 11854170, 12039988).

Literature cited by the submitters: PubMed 19194555; PubMed 21125408; PubMed 21415313; PubMed 30655312; PubMed 16199547; PubMed 11317351; PubMed 11854170; PubMed 12039988.